The following is an entry in ClinVar:

NM_024740.2(ALG9):c.477-15T>C

Gene: ALG9 (ALG9 alpha-1,2-mannosyltransferase; minus strand). Cytogenetic location: 11q23.1.
Variant type: single nucleotide variant.
Coding change: c.477-15T>C on transcript NM_024740.2 (MANE Select); 15 bases into the intron before coding-DNA position 477, T replaced by C.
Molecular consequence: intron variant.
Genome position (GRCh38, 1-based): chr11:111,860,650, A>G on the plus strand (T>C on the coding strand, the complement: ALG9 is on the minus strand). VCF-style: chr11-111860650-A-G. GRCh37 (hg19) VCF-style: chr11-111731373-A-G.
Other names: c.-37-15T>C (NM_001352409.1, NM_001352410.1, NM_001352413.1 and 11 more transcripts); c.477-15T>C (NM_001352418.1, NM_001352417.1, NM_001077690.1); c.-255-15T>C (NM_001352422.2).
Identifiers: ClinVar variation 682539 (VCV000682539.5), dbSNP rs782507133, ClinGen allele CA6274657.

ClinVar aggregate classification (germline): Likely benign. Review status: criteria provided, multiple submitters, no conflicts (2 of 4 stars). 2 submissions from 2 submitters: Likely benign (2). Last evaluated 2025-06-12.

Conditions:
ALG9 congenital disorder of glycosylation (CDG1L). Also called: CDG Il; CONGENITAL DISORDER OF GLYCOSYLATION, TYPE Il; ALG9-CDG. Identifiers: Orphanet 79328, MedGen C2931006, MONDO:0012117, OMIM 608776.

Allele frequency attached by ClinVar (database versions not stated): gnomAD exomes below 0.00001 and 0.00001; ExAC 0.00003; gnomAD 0.00003; TOPMed 0.00005.
gnomAD v4.1: 6 of 1,598,744 alleles (0.00038%); highest among the groups gnomAD compares: African/African-American, 0.008%; no homozygotes.

Submissions (2):

Labcorp Genetics (formerly Invitae), Labcorp
Classification: Likely benign for ALG9 congenital disorder of glycosylation. Last evaluated: 2025-06-12. Review status: criteria provided, single submitter. Criteria: Invitae Variant Classification Sherloc (09022015). Collection method: clinical testing. Allele origin: germline.

GeneDx
Classification: Likely benign. Last evaluated: 2018-05-08. Review status: criteria provided, single submitter. Criteria: GeneDx Variant Classification (06012015). Collection method: clinical testing. Allele origin: germline. Affected: yes.
Comment: This variant is considered likely benign or benign based on one or more of the following criteria: it is a conservative change, it occurs at a poorly conserved position in the protein, it is predicted to be benign by multiple in silico algorithms, and/or has population frequency not consistent with disease.